The following is an entry in ClinVar:

NM_001267550.2(TTN):c.44154+1G>C

Gene: TTN (titin; minus strand). Cytogenetic location: 2q31.2.
Variant type: single nucleotide variant.
Coding change: c.44154+1G>C on transcript NM_001267550.2 (MANE Select); the canonical splice donor site of the intron after coding-DNA position 44154, G replaced by C.
Molecular consequence: splice donor variant.
Genome position (GRCh38, 1-based): chr2:178,630,803, C>G on the plus strand (G>C on the coding strand, the complement: TTN is on the minus strand). VCF-style: chr2-178630803-C-G. GRCh37 (hg19) VCF-style: chr2-179495530-C-G.
Other names: c.39231+1G>C (NM_001256850.1); c.16959+1G>C (NM_003319.4); c.17535+1G>C (NM_133437.4); c.17334+1G>C (NM_133432.3); c.36450+1G>C (NM_133378.4).
Identifiers: ClinVar variation 2061724 (VCV002061724.4), dbSNP rs2471401026, ClinGen allele CA349645850.

ClinVar aggregate classification (germline): Likely pathogenic (1 of 4 stars; one submission).

Conditions:
Dilated cardiomyopathy 1G (CMD1G). Identifiers: Orphanet 154, MedGen C1858763, MONDO:0011400, OMIM 604145.
Autosomal recessive limb-girdle muscular dystrophy type 2J (LGMDR10). Also called: Limb-girdle muscular dystrophy, type 2J; MUSCULAR DYSTROPHY, LIMB-GIRDLE, AUTOSOMAL RECESSIVE 10. Identifiers: Orphanet 140922, MedGen C1837342, MONDO:0012127, OMIM 608807.

Submission:

Labcorp Genetics (formerly Invitae), Labcorp
Classification: Likely pathogenic for Dilated cardiomyopathy 1G; Autosomal recessive limb-girdle muscular dystrophy type 2J. Last evaluated: 2024-10-18. Review status: criteria provided, single submitter. Criteria: Invitae Variant Classification Sherloc (09022015). Collection method: clinical testing. Allele origin: germline.
Comment: This sequence change affects a donor splice site in intron 238 of the TTN gene. It is expected to disrupt RNA splicing and likely results in a truncated or disrupted TTN protein. This variant is not present in population databases (gnomAD no frequency). This variant has not been reported in the literature in individuals affected with TTN-related conditions. ClinVar contains an entry for this variant (Variation ID: 2061724). Algorithms developed to predict the effect of sequence changes on RNA splicing suggest that this variant may disrupt the consensus splice site. This variant is located in the I band of TTN (PMID: 25589632). Truncating variants in this region have been reported in individuals affected with autosomal recessive centronuclear myopathy (PMID: 23975875, internal data). Truncating variants in this region have also been identified in individuals affected with autosomal dominant dilated cardiomyopathy and/or cardio-related conditions (PMID: 27869827, 32964742, internal data). In summary, the currently available evidence indicates that the variant is pathogenic, but additional data are needed to prove that conclusively. Therefore, this variant has been classified as Likely Pathogenic.

Literature cited by the submitters: PubMed 25589632; PubMed 23975875; PubMed 27869827; PubMed 32964742.